The following is an entry in ClinVar:

ClinVar aggregate classification (germline): Uncertain significance (1 of 4 stars; one submission).

Conditions:
Cerebral arteriopathy, autosomal dominant, with subcortical infarcts and leukoencephalopathy, type 1 (CADASIL1). Also called: Cerebral arteriopathy with subcortical infarcts and leukoencephalopathy 1; CADASIL 1; CASIL; DEMENTIA, HEREDITARY MULTIINFARCT TYPE. Identifiers: Orphanet 136, MedGen C4551768, MONDO:0000914, OMIM 125310.

Submission:

Baylor Genetics
Classification: Uncertain significance for Cerebral arteriopathy, autosomal dominant, with subcortical infarcts and leukoencephalopathy, type 1. Last evaluated: 2019-11-18. Review status: criteria provided, single submitter. Criteria: ACMG Guidelines, 2015. Collection method: clinical testing. Allele origin: unknown. Affected: yes.
Comment: This variant was determined to be of uncertain significance according to ACMG Guidelines, 2015 [PMID:25741868].

NM_000435.3(NOTCH3):c.3506C>A (p.Pro1169Gln)

Gene: NOTCH3 (notch receptor 3; minus strand). Cytogenetic location: 19p13.12.
Variant type: single nucleotide variant.
Coding change: c.3506C>A on transcript NM_000435.3 (MANE Select); coding-DNA position 3506, C replaced by A.
Protein change: p.Pro1169Gln; replaces proline 1169 with glutamine.
Molecular consequence: missense variant.
Genome position (GRCh38, 1-based): chr19:15,179,237, G>T on the plus strand (C>A on the coding strand, the complement: NOTCH3 is on the minus strand). VCF-style: chr19-15179237-G-T. GRCh37 (hg19) VCF-style: chr19-15290048-G-T.
Other names: short protein forms P1169Q.
Identifiers: ClinVar variation 1028753 (VCV001028753.1), dbSNP rs1160108455, ClinGen allele CA404511330.
Genomic context (GRCh38, chr19:15,179,237, plus strand): 5'-AAACCACCCACCAGGTCCACGCAGGTGCCATTGTGTAGGCACCGGGGCCCTGAGTCCAGC[G>T]GTGGGCCTGGGCCGCAGTCATCCTCATTAATCTCGCAGAGCACCCCTGGGGGAAGAAACG-3'
Protein context (NP_000426.2, residues 1159-1179): INEDDCGPGP[Pro1169Gln]LDSGPRCLHN